The following is an entry in ClinVar:

ClinVar aggregate classification (germline): Uncertain significance. Review status: criteria provided, multiple submitters, no conflicts (2 of 4 stars). 3 submissions from 3 submitters: Uncertain significance (3). Last evaluated 2026-04-14.

Conditions:
Nephronophthisis. Also called: Juvenile Nephronophthisis. Identifiers: Orphanet 655, MedGen C0687120, MONDO:0019005, HP:0000090.

Allele frequency attached by ClinVar (database versions not stated): gnomAD 0.00001; gnomAD exomes 0.00001 and 0.00002; TOPMed 0.00004.
gnomAD v4.1: 5 of 1,614,032 alleles (0.00031%); highest among the groups gnomAD compares: Admixed American, 0.0083%; no homozygotes.

Submissions (3):

Women's Health and Genetics/Laboratory Corporation of America, LabCorp
Classification: Uncertain significance. Last evaluated: 2026-04-14. Review status: criteria provided, single submitter. Criteria: LabCorp Variant Classification Summary - May 2015. Collection method: clinical testing. Allele origin: germline.

Labcorp Genetics (formerly Invitae), Labcorp
Classification: Uncertain significance for Nephronophthisis. Last evaluated: 2022-03-10. Review status: criteria provided, single submitter. Criteria: Invitae Variant Classification Sherloc (09022015). Collection method: clinical testing. Allele origin: germline.
Comment: This sequence change falls in intron 20 of the NPHP3 gene. It does not directly change the encoded amino acid sequence of the NPHP3 protein. It affects a nucleotide within the consensus splice site. This variant is present in population databases (no rsID available, gnomAD 0.01%). This variant has not been reported in the literature in individuals affected with NPHP3-related conditions. Variants that disrupt the consensus splice site are a relatively common cause of aberrant splicing (PMID: 17576681, 9536098). Algorithms developed to predict the effect of sequence changes on RNA splicing suggest that this variant may create or strengthen a splice site. In summary, the available evidence is currently insufficient to determine the role of this variant in disease. Therefore, it has been classified as a Variant of Uncertain Significance.

Blueprint Genetics
Classification: Uncertain significance. Last evaluated: 2019-01-05. Review status: criteria provided, single submitter. Criteria: ACMG Guidelines, 2015. Collection method: clinical testing. Allele origin: germline.

Literature cited by the submitters: PubMed 17576681 (cited by Labcorp Genetics (formerly Invitae), Labcorp); PubMed 9536098 (cited by Labcorp Genetics (formerly Invitae), Labcorp).

NM_153240.5(NPHP3):c.2883+5G>A

Genes: NPHP3 (nephrocystin 3; minus strand), NPHP3-ACAD11 (NPHP3-ACAD11 readthrough (NMD candidate); minus strand). Cytogenetic location: 3q22.1.
Variant type: single nucleotide variant.
Coding change: c.2883+5G>A on transcript NM_153240.5 (MANE Select); 5 bases into the intron after coding-DNA position 2883, G replaced by A.
Molecular consequence: intron variant.
Genome position (GRCh38, 1-based): chr3:132,689,069, C>T on the plus strand (G>A on the coding strand, the complement: NPHP3 is on the minus strand). VCF-style: chr3-132689069-C-T. GRCh37 (hg19) VCF-style: chr3-132407913-C-T.
Identifiers: ClinVar variation 1401289 (VCV001401289.5), dbSNP rs948593540, ClinGen allele CA83585032.